The following is an entry in ClinVar:

NM_000501.4(ELN):c.159A>T (p.Gly53=)

Gene: ELN (elastin; plus strand). Cytogenetic location: 7q11.23.
Variant type: single nucleotide variant.
Coding change: c.159A>T on transcript NM_000501.4 (MANE Select); coding-DNA position 159, A replaced by T.
Protein change: p.Gly53=; no amino-acid change (glycine 53 retained).
Molecular consequence: synonymous variant. On other transcripts: intron variant (4).
Genome position (GRCh38, 1-based): chr7:74,036,580, A>T. VCF-style: chr7-74036580-A-T. GRCh37 (hg19) VCF-style: chr7-73450910-A-T.
Other names: c.159A>T (NM_000501.2); c.159A>T, p.Gly53= (NM_001081753.3, NM_001081754.3, NM_001081755.3 and 5 more transcripts); c.134-1127A>T (NM_001278914.2, NM_001278917.2, NM_001081752.3 and 1 more transcripts).
Identifiers: ClinVar variation 453323 (VCV000453323.12), dbSNP rs200810494, ClinGen allele CA4292321.

ClinVar aggregate classification (germline): Conflicting classifications of pathogenicity. Review status: criteria provided, conflicting classifications (1 of 4 stars). 2 submissions from 2 submitters: Uncertain significance (1); Likely benign (1). Last evaluated 2025-07-03.

Conditions:
Supravalvar aortic stenosis (SVAS). Also called: Supravalvar aortic stenosis, Eisenberg type. Identifiers: Orphanet 3193, MedGen C0003499, MONDO:0008504, OMIM 185500, HP:0004381.

Allele frequency attached by ClinVar (database versions not stated): ExAC 0.00002; gnomAD exomes 0.00002 and 0.00003; gnomAD 0.00003 and 0.00004; TOPMed 0.00004; 1000 Genomes Project 30x 0.00031; 1000 Genomes Project 0.00040.
gnomAD v4.1: 63 of 1,613,970 alleles (0.0039%); highest among the groups gnomAD compares: Middle Eastern, 0.099%; 1 homozygote.

Submissions (2):

Labcorp Genetics (formerly Invitae), Labcorp
Classification: Likely benign for Supravalvar aortic stenosis. Last evaluated: 2025-07-03. Review status: criteria provided, single submitter. Criteria: Invitae Variant Classification Sherloc (09022015). Collection method: clinical testing. Allele origin: germline.

GeneDx
Classification: Uncertain significance. Last evaluated: 2024-03-06. Review status: criteria provided, single submitter. Criteria: GeneDx Variant Classification Process June 2021. Collection method: clinical testing. Allele origin: germline. Affected: yes.
Comment: Has not been previously published as pathogenic or benign to our knowledge; In silico analysis supports that this variant does not alter splicing